The following is an entry in ClinVar:

NM_153638.4(PANK2):c.160A>G (p.Thr54Ala)

Gene: PANK2 (pantothenate kinase 2; plus strand). Cytogenetic location: 20p13.
Variant type: single nucleotide variant.
Coding change: c.160A>G on transcript NM_153638.4; coding-DNA position 160, A replaced by G.
Protein change: p.Thr54Ala; replaces threonine 54 with alanine.
Molecular consequence: missense variant. On other transcripts: intron variant (1).
Genome position (GRCh38, 1-based): chr20:3,889,260, A>G. VCF-style: chr20-3889260-A-G. GRCh37 (hg19) VCF-style: chr20-3869907-A-G.
Other names: c.160A>G, p.Thr54Ala (NM_001324192.1); c.-246+356A>G (NM_024960.6); short protein forms T54A.
Identifiers: ClinVar variation 1347604 (VCV001347604.8), dbSNP rs2146803538, ClinGen allele CA408139284.

ClinVar aggregate classification (germline): Uncertain significance (1 of 4 stars; one submission).

Conditions:
Pigmentary pallidal degeneration (NBIA1). Also called: Neurodegeneration with brain iron accumulation 1; PKAN NEUROAXONAL DYSTROPHY, JUVENILE-ONSET; HARP SYNDROME; Pantothenate Kinase-Associated Neurodegeneration; Neuroaxonal dystrophy, late infantile; Hallervorden-Spatz disease. Identifiers: Orphanet 157850, MedGen C0018523, MONDO:0009319, OMIM 234200.

Allele frequency attached by ClinVar (database versions not stated): gnomAD exomes below 0.00001.
gnomAD v4.1: 1 of 1,612,526 alleles (0.000062%); highest among the groups gnomAD compares: Non-Finnish European, 0.000085%; no homozygotes.

Submission:

Labcorp Genetics (formerly Invitae), Labcorp
Classification: Uncertain significance for Pigmentary pallidal degeneration. Last evaluated: 2021-01-02. Review status: criteria provided, single submitter. Criteria: Invitae Variant Classification Sherloc (09022015). Collection method: clinical testing. Allele origin: germline.
Comment: This variant is not present in population databases (ExAC no frequency). This sequence change replaces threonine with alanine at codon 54 of the PANK2 protein (p.Thr54Ala). The threonine residue is weakly conserved and there is a small physicochemical difference between threonine and alanine. This variant has not been reported in the literature in individuals with PANK2-related conditions. In summary, the available evidence is currently insufficient to determine the role of this variant in disease. Therefore, it has been classified as a Variant of Uncertain Significance. Algorithms developed to predict the effect of missense changes on protein structure and function output the following: SIFT: "Tolerated"; PolyPhen-2: "Benign"; Align-GVGD: "Class C0". The alanine amino acid residue is found in multiple mammalian species, suggesting that this missense change does not adversely affect protein function. These predictions have not been confirmed by published functional studies and their clinical significance is uncertain.